The following is an entry in ClinVar:

ClinVar aggregate classification (germline): Uncertain significance (1 of 4 stars; one submission).

Conditions:
Inborn genetic diseases. Identifiers: MedGen C0950123, MeSH D030342.

Submission:

Ambry Genetics
Classification: Uncertain significance for Inborn genetic diseases. Last evaluated: 2024-10-05. Review status: criteria provided, single submitter. Criteria: Ambry Variant Classification Scheme 2023. Collection method: clinical testing. Allele origin: germline.
Comment: The p.V234M variant (also known as c.700G>A), located in coding exon 8 of the DDX41 gene, results from a G to A substitution at nucleotide position 700. The valine at codon 234 is replaced by methionine, an amino acid with highly similar properties. This amino acid position is conserved. In addition, the in silico prediction for this alteration is inconclusive. Based on the available evidence, the clinical significance of this variant remains unclear.

NM_016222.4(DDX41):c.700G>A (p.Val234Met)

Gene: DDX41 (DEAD-box helicase 41; minus strand). Cytogenetic location: 5q35.3.
Variant type: single nucleotide variant.
Coding change: c.700G>A on transcript NM_016222.4 (MANE Select); coding-DNA position 700, G replaced by A.
Protein change: p.Val234Met; replaces valine 234 with methionine.
Molecular consequence: missense variant.
Genome position (GRCh38, 1-based): chr5:177,515,014, C>T on the plus strand (G>A on the coding strand, the complement: DDX41 is on the minus strand). VCF-style: chr5-177515014-C-T. GRCh37 (hg19) VCF-style: chr5-176942015-C-T.
Other names: c.322G>A, p.Val108Met (NM_001321732.2, NM_001321830.2); short protein forms V108M, V234M.
Identifiers: ClinVar variation 3500500 (VCV003500500.1).